The following is an entry in ClinVar:

ClinVar aggregate classification (germline): Likely pathogenic (1 of 4 stars; one submission).

Conditions:
Hereditary breast ovarian cancer syndrome. Also called: BRCA1- and BRCA2-Associated Hereditary Breast and Ovarian Cancer; Hereditary breast and ovarian cancer; Hereditary breast and ovarian cancer syndrome (HBOC); Hereditary breast and/or ovarian cancer syndrome; Hereditary breast and ovarian cancer syndrome; Breast and ovarian cancer. Identifiers: Orphanet 145, MedGen C0677776, MeSH D061325, MONDO:0003582. Disease mechanism: loss of function.

Submission:

Genetics and Personalized Medicine Clinic, Tartu University Hospital
Classification: Likely pathogenic for Hereditary breast ovarian cancer syndrome. Last evaluated: 2018-01-01. Review status: criteria provided, single submitter. Criteria: ACMG Guidelines, 2015. Collection method: clinical testing. Allele origin: germline. Affected: yes. Observed: 2 variant alleles.
Comment: This deletion causes a frameshift p.(Thr637Serfs*3), predicted to result in premature truncation and nonsense-mediated decay. BRCA1 loss-of-function variants are a well-established mechanism for hereditary breast and ovarian cancer (PVS1). The variant is absent from population databases (PM2_Supporting) and has been observed in two individuals with breast cancer, supporting its clinical relevance.

NM_007294.4(BRCA1):c.5136_5137del (p.Trp1712fs)

Gene: BRCA1 (BRCA1 DNA repair associated; minus strand). Cytogenetic location: 17q21.31.
Variant type: Deletion.
Coding change: c.5136_5137del on transcript NM_007294.4 (MANE Select); coding-DNA positions 5136 to 5137, 2 bases deleted (GG; older notation c.5136_5137delGG).
Protein change: p.Trp1712fs; shifts the reading frame from tryptophan 1712.
Molecular consequence: frameshift variant. On other transcripts: intron variant (2).
Genome position (GRCh38, 1-based): chr17:43,063,889-43,063,890, CC deleted on the plus strand (GG on the coding strand, the reverse complement: BRCA1 is on the minus strand); deleting any 2 consecutive bases within chr17:43,063,889-43,063,891 gives the same sequence; the c. name uses the placement nearest the transcript's 3' end. VCF-style (leftmost placement, unchanged base first): chr17-43063888-ACC-A. GRCh37 (hg19) VCF-style: chr17-41215905-ACC-A.
Other names: c.5079_5080del, p.Trp1693fs (NM_001407648.1); c.5076_5077del, p.Trp1692fs (NM_001407649.1); c.5058_5059del, p.Trp1686fs (NM_001407653.1, NM_001407654.1, NM_001407655.1); c.5055_5056del, p.Trp1685fs (NM_001407656.1, NM_001407657.1, NM_001407658.1); c.5052_5053del, p.Trp1684fs (NM_001407659.1, NM_001407660.1, NM_001407661.1 and 2 more transcripts); c.5013_5014del, p.Trp1671fs (NM_001407664.1, NM_001407665.1, NM_001407666.1 and 6 more transcripts); c.1701_1702del, p.Trp567fs (NM_001408436.1, NM_001408437.1, NM_001408438.1 and 10 more transcripts); c.4923_4924del, p.Trp1641fs (NM_001407571.1, NM_001407894.1, NM_001407895.1 and 12 more transcripts); and 73 more; short protein forms W1415fs, W1416fs, W1543fs, W1558fs, W1583fs, W1584fs, W1585fs, W1599fs.
Identifiers: ClinVar variation 4082397 (VCV004082397.1).